The following is an entry in ClinVar:

ClinVar aggregate classification (germline): Uncertain significance (1 of 4 stars; one submission).

Submission:

Ambry Genetics
Classification: Uncertain significance. Last evaluated: 2026-06-24. Review status: criteria provided, single submitter. Criteria: Ambry Variant Classification Scheme 2023. Collection method: clinical testing. Allele origin: germline.
Comment: The p.P280S variant (also known as c.838C>T), located in coding exon 6 of the ATRIP gene, results from a C to T substitution at nucleotide position 838. The proline at codon 280 is replaced by serine, an amino acid with similar properties. This amino acid position is conserved. In addition, this alteration is predicted to be tolerated by in silico analysis. Based on the available evidence, the clinical significance of this variant remains unclear.

NM_130384.3(ATRIP):c.838C>T (p.Pro280Ser)

Genes: ATRIP (ATR interacting protein; plus strand), ATRIP-TREX1 (ATRIP-TREX1 readthrough; plus strand). Cytogenetic location: 3p21.31.
Variant type: single nucleotide variant.
Coding change: c.838C>T on transcript NM_130384.3 (MANE Select); coding-DNA position 838, C replaced by T.
Protein change: p.Pro280Ser; replaces proline 280 with serine.
Molecular consequence: missense variant. On other transcripts: non-coding transcript variant (1).
Genome position (GRCh38, 1-based): chr3:48,459,367, C>T. VCF-style: chr3-48459367-C-T. GRCh37 (hg19) VCF-style: chr3-48500766-C-T.
Other names: c.457C>T, p.Pro153Ser (NM_001271022.2); c.559C>T, p.Pro187Ser (NM_001271023.2); c.838C>T, p.Pro280Ser (NM_032166.4); short protein forms P153S, P280S, P187S.
Identifiers: ClinVar variation 5032408 (VCV005032408.1).